The following is an entry in ClinVar:

NM_001267550.2(TTN):c.104890A>T (p.Asn34964Tyr)

Genes: TTN (titin; minus strand), TTN-AS1 (TTN antisense RNA 1; plus strand). Cytogenetic location: 2q31.2.
Variant type: single nucleotide variant.
Coding change: c.104890A>T on transcript NM_001267550.2 (MANE Select); coding-DNA position 104890, A replaced by T.
Protein change: p.Asn34964Tyr; replaces asparagine 34964 with tyrosine.
Molecular consequence: missense variant.
Genome position (GRCh38, 1-based): chr2:178,531,725, T>A on the plus strand (A>T on the coding strand, the complement: TTN is on the minus strand). VCF-style: chr2-178531725-T-A. GRCh37 (hg19) VCF-style: chr2-179396452-T-A.
Other names: c.99967A>T, p.Asn33323Tyr (NM_001256850.1); c.77695A>T, p.Asn25899Tyr (NM_003319.4); c.97186A>T, p.Asn32396Tyr (NM_133378.4); c.78070A>T, p.Asn26024Tyr (NM_133432.3); c.78271A>T, p.Asn26091Tyr (NM_133437.4); short protein forms N26024Y, N26091Y, N33323Y, N25899Y, N32396Y, N34964Y.
Identifiers: ClinVar variation 894000 (VCV000894000.4), dbSNP rs779363624, ClinGen allele CA1985339.

ClinVar aggregate classification (germline): Conflicting classifications of pathogenicity. Review status: criteria provided, conflicting classifications (1 of 4 stars). 5 submissions from 1 submitter: Uncertain significance (3); Benign (2). Last evaluated 2018-01-13.

Conditions:
Autosomal recessive limb-girdle muscular dystrophy type 2J (LGMDR10). Also called: Limb-girdle muscular dystrophy, type 2J; MUSCULAR DYSTROPHY, LIMB-GIRDLE, AUTOSOMAL RECESSIVE 10. Identifiers: Orphanet 140922, MedGen C1837342, MONDO:0012127, OMIM 608807.
Dilated cardiomyopathy 1G (CMD1G). Identifiers: Orphanet 154, MedGen C1858763, MONDO:0011400, OMIM 604145.
Early-onset myopathy with fatal cardiomyopathy (CMYO5). Also called: CONGENITAL MYOPATHY 5 WITH CARDIOMYOPATHY; Salih Myopathy. Identifiers: Orphanet 289377, MedGen C2673677, MONDO:0012714, OMIM 611705. Disease mechanism: loss of function.
Myopathy, myofibrillar, 9, with early respiratory failure (MFM9). Also called: EDSTROM MYOPATHY; MYOPATHY, PROXIMAL, WITH EARLY RESPIRATORY MUSCLE INVOLVEMENT; Myopathy, distal, with early respiratory failure, autosomal dominant; Hereditary myopathy with early respiratory failure. Identifiers: Orphanet 178464, Orphanet 34521, MedGen C1863599, MONDO:0011362, OMIM 603689.
Tibial muscular dystrophy (TMD). Also called: Tibial muscular dystrophy, tardive; UDD MYOPATHY; Udd Distal Myopathy – Tibial Muscular Dystrophy. Identifiers: Orphanet 609, MedGen C1838244, MONDO:0010870, OMIM 600334.

Allele frequency attached by ClinVar (database versions not stated): gnomAD exomes 0.00001; TOPMed 0.00001; ExAC 0.00002.
gnomAD v4.1: 5 of 1,613,972 alleles (0.00031%); highest among the groups gnomAD compares: East Asian, 0.011%; no homozygotes.

Submissions (5):

Illumina Laboratory Services, Illumina
Classification: Uncertain significance for Autosomal recessive limb-girdle muscular dystrophy type 2J. Last evaluated: 2018-01-13. Review status: criteria provided, single submitter. Criteria: ICSL Variant Classification Criteria 13 December 2019. Collection method: clinical testing. Allele origin: germline.

Illumina Laboratory Services, Illumina
Classification: Benign for Tibial muscular dystrophy. Last evaluated: 2018-01-13. Review status: criteria provided, single submitter. Criteria: ICSL Variant Classification Criteria 13 December 2019. Collection method: clinical testing. Allele origin: germline.
Comment: This variant was observed in the ICSL laboratory as part of a predisposition screen in an ostensibly healthy population. It had not been previously curated by ICSL or reported in the Human Gene Mutation Database (HGMD: prior to June 1st, 2018), and was therefore a candidate for classification through an automated scoring system. Utilizing variant allele frequency, disease prevalence and penetrance estimates, and inheritance mode, an automated score was calculated to assess if this variant is too frequent to cause the disease. Based on the score and internal cut-off values, a variant classified as benign is not then subjected to further curation. The score for this variant resulted in a classification of benign for this disease.

Illumina Laboratory Services, Illumina
Classification: Benign for Myopathy, myofibrillar, 9, with early respiratory failure. Last evaluated: 2018-01-13. Review status: criteria provided, single submitter. Criteria: ICSL Variant Classification Criteria 13 December 2019. Collection method: clinical testing. Allele origin: germline.
Comment: the same text as in the submission from Illumina Laboratory Services, Illumina above.

Illumina Laboratory Services, Illumina
Classification: Uncertain significance for Early-onset myopathy with fatal cardiomyopathy. Last evaluated: 2018-01-13. Review status: criteria provided, single submitter. Criteria: ICSL Variant Classification Criteria 13 December 2019. Collection method: clinical testing. Allele origin: germline.

Illumina Laboratory Services, Illumina
Classification: Uncertain significance for Dilated cardiomyopathy 1G. Last evaluated: 2018-01-13. Review status: criteria provided, single submitter. Criteria: ICSL Variant Classification Criteria 13 December 2019. Collection method: clinical testing. Allele origin: germline.